The following is an entry in ClinVar:

ClinVar aggregate classification (germline): Conflicting classifications of pathogenicity. Review status: criteria provided, conflicting classifications (1 of 4 stars). 2 submissions from 2 submitters: Likely pathogenic (1); Uncertain significance (1). Last evaluated 2020-05-21.

Conditions:
Neurodevelopmental disorder. Identifiers: MedGen C1535926, MeSH D065886, MONDO:0700092.

Submissions (2):

Victorian Clinical Genetics Services, Murdoch Childrens Research Institute
Classification: Likely pathogenic for Neurodevelopmental disorder. Last evaluated: 2020-05-21. Review status: criteria provided, single submitter. Criteria: ACMG Guidelines, 2015. Collection method: clinical testing. Allele origin: germline. Inheritance: Autosomal dominant inheritance. Affected: yes.
Comment: A heterozygous missense variant, NM_006922.3(SCN3A):c.5003T>C, has been identified in exon 28 of 28 of the SCN3A gene. The variant is predicted to result in a moderate amino acid change from isoleucine to threonine at position 668 of the protein (NP_008853.3(SCN3A):p.(Ile1668Thr)). The isoleucine residue at this position has very high conservation (100 vertebrates, UCSC), and is located within the ion transporter domain. In silico predictions for this variant are consistently pathogenic (Polyphen, SIFT, CADD, Mutation Taster). The variant is absent in population databases (gnomAD) and has not been previously reported in clinical cases. Analysis of parental samples indicated this variant is de novo. Based on the information available at the time of curation, this variant has been classified as LIKELY PATHOGENIC.

CeGaT Center for Human Genetics Tuebingen
Classification: Uncertain significance. Last evaluated: 2019-08-01. Review status: criteria provided, single submitter. Criteria: CeGaT Center For Human Genetics Tuebingen Variant Classification Criteria Version 2. Collection method: clinical testing. Allele origin: germline. Affected: yes. Observed: 3 variant alleles.

NM_006922.4(SCN3A):c.5003T>C (p.Ile1668Thr)

Gene: SCN3A (sodium voltage-gated channel alpha subunit 3; minus strand). Cytogenetic location: 2q24.3.
Variant type: single nucleotide variant.
Coding change: c.5003T>C on transcript NM_006922.4 (MANE Select); coding-DNA position 5003, T replaced by C.
Protein change: p.Ile1668Thr; replaces isoleucine 1668 with threonine.
Molecular consequence: missense variant.
Genome position (GRCh38, 1-based): chr2:165,091,150, A>G on the plus strand (T>C on the coding strand, the complement: SCN3A is on the minus strand). VCF-style: chr2-165091150-A-G. GRCh37 (hg19) VCF-style: chr2-165947660-A-G.
Other names: c.4856T>C, p.Ile1619Thr (NM_001081676.2, NM_001081677.2); short protein forms I1668T, I1619T.
Identifiers: ClinVar variation 871828 (VCV000871828.42), dbSNP rs1685081916, ClinGen allele CA349017678.